The following is an entry in ClinVar:

NM_033056.4(PCDH15):c.5364_5373del (p.Pro1789fs)

Gene: PCDH15 (protocadherin related 15; minus strand). Cytogenetic location: 10q21.1.
Variant type: Deletion.
Coding change: c.5364_5373del on transcript NM_033056.4 (MANE Plus Clinical); coding-DNA positions 5364 to 5373, 10 bases deleted (TCCTCTTCCT; older notation c.5364_5373delTCCTCTTCCT).
Protein change: p.Pro1789fs; shifts the reading frame from proline 1789.
Molecular consequence: frameshift variant. On other transcripts: intron variant (8).
Genome position (GRCh38, 1-based): chr10:53,822,353-53,822,362, AGGAAGAGGA deleted on the plus strand (TCCTCTTCCT on the coding strand, the reverse complement: PCDH15 is on the minus strand); deleting any 10 consecutive bases within chr10:53,822,353-53,822,364 gives the same sequence; the c. name uses the placement nearest the transcript's 3' end. VCF-style (leftmost placement, unchanged base first): chr10-53822352-GAGGAAGAGGA-G. GRCh37 (hg19) VCF-style: chr10-55582112-GAGGAAGAGGA-G.
Other names: c.5385_5394del, p.Pro1796fs (NM_001142763.2); c.5370_5379del, p.Pro1791fs (NM_001142764.2); c.5157_5166del, p.Pro1720fs (NM_001142765.2); c.5355_5364del, p.Pro1786fs (NM_001142766.2); c.5244_5253del, p.Pro1749fs (NM_001142767.2); c.5304_5313del, p.Pro1769fs (NM_001142768.2); c.5295_5304del, p.Pro1766fs (NM_001142773.2); c.5298_5307del, p.Pro1767fs (NM_001354404.2); and 8 more; short protein forms P1720fs, P1749fs, P1766fs, P1767fs, P1786fs, P1769fs, P1789fs, P1796fs.
Identifiers: ClinVar variation 236519 (VCV000236519.11), dbSNP rs753690225, ClinGen allele CA5505058.
Genomic context (GRCh38, chr10:53,822,352, plus strand): 5'-GTAGAAGAGGTGGTGTTGGGGGACCAGACGTTGAAACGGAAAGTGGAAAAAATGTAGGAG[GAGGAAGAGGA>G]AGAGGGATAGAAGGAGGAGAGGGAGGAGGACAAAAAAGAGAAAAAGGAGAAATGTCAGGA-3'

ClinVar aggregate classification (germline): Conflicting classifications of pathogenicity. Review status: criteria provided, conflicting classifications (1 of 4 stars). 7 submissions from 7 submitters: Likely pathogenic (3); Uncertain significance (1); Likely benign (1). 2 of the submissions do not count toward it. Last evaluated 2025-12-29.

Conditions:
Retinal dystrophy. Also called: Inherited retinal dystrophy. Identifiers: Orphanet 71862, MedGen C0854723, MeSH D058499, MONDO:0019118, HP:0000556.
Autosomal recessive nonsyndromic hearing loss 23. Identifiers: Orphanet 90636, MedGen C1836027, MONDO:0012293, OMIM 609533.
Usher syndrome type 1F (USH1F). Also called: USHER SYNDROME, TYPE IF. Identifiers: Orphanet 231169, Orphanet 886, MedGen C1865885, MONDO:0011186, OMIM 602083.

Submissions (7):

Labcorp Genetics (formerly Invitae), Labcorp
Classification: Likely benign. Last evaluated: 2025-12-29. Review status: criteria provided, single submitter. Criteria: Invitae Variant Classification Sherloc (09022015). Collection method: clinical testing. Allele origin: germline.

First Genomix Gene Laboratory, Genetic Diagnostics Department
Classification: Likely pathogenic for Autosomal recessive nonsyndromic hearing loss 23; Usher syndrome type 1F. Last evaluated: 2025-07-31. Review status: criteria provided, single submitter. Criteria: ACMG Guidelines, 2015. Collection method: clinical testing. Allele origin: germline. Inheritance: Autosomal recessive inheritance. Affected: no. Observed: 1 variant allele.

Blueprint Genetics
Classification: Uncertain significance. Last evaluated: 2024-05-08. Review status: criteria provided, single submitter. Criteria: ACMG Guidelines, 2015. Collection method: clinical testing. Allele origin: germline.

AiLife Diagnostics
Classification: Likely pathogenic. Last evaluated: 2022-03-16. Review status: criteria provided, single submitter. Criteria: ACMG Guidelines, 2015. Collection method: clinical testing. Allele origin: germline. Affected: yes. Observed: 1 variant allele.

Kariminejad - Najmabadi Pathology & Genetics Center
Classification: Likely pathogenic for Usher syndrome type 1F. Review status: criteria provided, single submitter. Criteria: ACMG Guidelines, 2015. Collection method: clinical testing. Allele origin: germline. Affected: no.

Counsyl
Classification: Uncertain significance for Usher syndrome type 1F. Last evaluated: 2017-12-28. Review status: no assertion criteria provided. Collection method: clinical testing. Allele origin: unknown. Not counted in ClinVar's aggregate classification.

Centre for Genomic Medicine, Manchester, Central Manchester University Hospitals
Classification: Likely pathogenic for Retinal dystrophy. Review status: no assertion criteria provided. Collection method: clinical testing. Allele origin: germline. Affected: yes. Not counted in ClinVar's aggregate classification.

Literature cited by the submitters: PubMed 27208204 (cited by AiLife Diagnostics and Counsyl).